The following is an entry in ClinVar:

NM_001048174.2(MUTYH):c.578G>C (p.Gly193Ala)

Gene: MUTYH (mutY DNA glycosylase; minus strand). Cytogenetic location: 1p34.1.
Variant type: single nucleotide variant.
Coding change: c.578G>C on transcript NM_001048174.2 (MANE Select); coding-DNA position 578, G replaced by C.
Protein change: p.Gly193Ala; replaces glycine 193 with alanine.
Molecular consequence: missense variant. On other transcripts: non-coding transcript variant (2).
Genome position (GRCh38, 1-based): chr1:45,332,602, C>G on the plus strand (G>C on the coding strand, the complement: MUTYH is on the minus strand). VCF-style: chr1-45332602-C-G. GRCh37 (hg19) VCF-style: chr1-45798274-C-G.
Other names: c.578G>C, p.Gly193Ala (NM_001048171.2, NM_001048173.2, NM_001293195.2); c.581G>C, p.Gly194Ala (NM_001048172.2); c.662G>C, p.Gly221Ala (NM_001128425.2); c.623G>C, p.Gly208Ala (NM_001293190.2); c.611G>C, p.Gly204Ala (NM_001293191.2); c.302G>C, p.Gly101Ala (NM_001293192.2, NM_001293196.2); c.233G>C, p.Gly78Ala (NM_001350650.2, NM_001350651.2); c.653G>C, p.Gly218Ala (NM_012222.3); short protein forms G221A, G194A, G101A, G208A, G204A, G218A, G193A, G78A.
Identifiers: ClinVar variation 419302 (VCV000419302.19), dbSNP rs1064793779, ClinGen allele CA16617165.
Genomic context (GRCh38, chr1:45,332,602, plus strand): 5'-ACGCACAAAGTGGGGGTGGGCTGTGAGATCACCTGGCCAAAGGCGATAGAGGCAATGGCC[C>G]CAGCTGTGTAGCGCCCCACGCCAGGCAGGAGCTGCTGCAGGGTCTCTGCTGTACGTGGCA-3'
Protein context (NP_001041639.1, residues 183-203): LLPGVGRYTA[Gly193Ala]AIASIAFGQA

ClinVar aggregate classification (germline): Conflicting classifications of pathogenicity. Review status: criteria provided, conflicting classifications (1 of 4 stars). 4 submissions from 4 submitters: Uncertain significance (3); Likely benign (1). Last evaluated 2025-09-15.

Conditions:
Hereditary cancer-predisposing syndrome. Also called: Tumor predisposition; Hereditary Cancer Syndrome; Hereditary neoplastic syndrome; Neoplastic Syndromes, Hereditary. Identifiers: Orphanet 140162, MedGen C0027672, MeSH D009386, MONDO:0015356.
Familial adenomatous polyposis 2. Also called: COLORECTAL ADENOMATOUS POLYPOSIS, AUTOSOMAL RECESSIVE; MUTYH Polyposis; MUTYH-associated polyposis; MUTYH-related attenuated familial adenomatous polyposis; Adenomas, multiple colorectal; ADENOMAS, MULTIPLE COLORECTAL, AUTOSOMAL RECESSIVE. Identifiers: Orphanet 220460, Orphanet 247798, MedGen C3272841, MONDO:0012041, OMIM 608456.

Submissions (4):

Ambry Genetics
Classification: Likely benign for Hereditary cancer-predisposing syndrome. Last evaluated: 2025-09-15. Review status: criteria provided, single submitter. Criteria: Ambry Variant Classification Scheme 2023. Collection method: clinical testing. Allele origin: germline.

Labcorp Genetics (formerly Invitae), Labcorp
Classification: Uncertain significance for Familial adenomatous polyposis 2. Last evaluated: 2025-04-28. Review status: criteria provided, single submitter. Criteria: Invitae Variant Classification Sherloc (09022015). Collection method: clinical testing. Allele origin: germline.
Comment: This sequence change replaces glycine, which is neutral and non-polar, with alanine, which is neutral and non-polar, at codon 221 of the MUTYH protein (p.Gly221Ala). This variant is not present in population databases (gnomAD no frequency). This variant has not been reported in the literature in individuals affected with MUTYH-related conditions. ClinVar contains an entry for this variant (Variation ID: 419302). An algorithm developed to predict the effect of missense changes on protein structure and function (PolyPhen-2) suggests that this variant is likely to be tolerated. In summary, the available evidence is currently insufficient to determine the role of this variant in disease. Therefore, it has been classified as a Variant of Uncertain Significance.

All of Us Research Program, National Institutes of Health
Classification: Uncertain significance for Familial adenomatous polyposis 2. Last evaluated: 2023-04-27. Review status: criteria provided, single submitter. Criteria: ACMG Guidelines, 2015. Collection method: clinical testing. Allele origin: germline. Inheritance: Autosomal recessive inheritance. Observed: 1 variant allele, 1 heterozygote.
Comment: This study involves interpretation of variants in research participants for the purpose of population health screening. Participant phenotype was not available at the time of variant classification. Additional details can be found in publication PMID: 35346344, PMCID: PMC8962531

GeneDx
Classification: Uncertain significance. Last evaluated: 2015-06-24. Review status: criteria provided, single submitter. Criteria: GeneDx Variant Classification (06012015). Collection method: clinical testing. Allele origin: germline. Affected: yes.
Comment: This variant is denoted MUTYH c.662G>C at the cDNA level, p.Gly221Ala (G221A) at the protein level, and results in the change of a Glycine to an Alanine (GGG>GCG). This variant has not, to our knowledge, been published in the literature as pathogenic or benign. MUTYH Gly221Ala was not observed in approximately 6,500 individuals of European and African American ancestry in the NHLBI Exome Sequencing Project, indicating it is not a common benign variant in these populations. Since Glycine and Alanine share similar properties, this is considered a conservative amino acid substitution. MUTYH Gly221Ala occurs at a position that is conserved across species and is not located in a known functional domain (Ruggieri 2013, UniProt). In silico analyses are inconsistent regarding the effect this variant may have on protein structure and function. Based on currently available information, it is unclear whether MUTYH Gly221Ala is pathogenic or benign. We consider it to be a variant of uncertain significance. Of note, MUTYH-Associated Polyposis (MAP) is a recessive condition associated with two pathogenic variants on opposite chromosomes in MUTYH.